The following is an entry in ClinVar:

NM_000393.5(COL5A2):c.492A>T (p.Pro164=)

Gene: COL5A2 (collagen type V alpha 2 chain; minus strand). Cytogenetic location: 2q32.2.
Variant type: single nucleotide variant.
Coding change: c.492A>T on transcript NM_000393.5 (MANE Select); coding-DNA position 492, A replaced by T.
Protein change: p.Pro164=; no amino-acid change (proline 164 retained).
Molecular consequence: synonymous variant.
Genome position (GRCh38, 1-based): chr2:189,092,385, T>A on the plus strand (A>T on the coding strand, the complement: COL5A2 is on the minus strand). VCF-style: chr2-189092385-T-A. GRCh37 (hg19) VCF-style: chr2-189957111-T-A.
Identifiers: ClinVar variation 3495578 (VCV003495578.2).

ClinVar aggregate classification (germline): Likely benign. Review status: criteria provided, multiple submitters, no conflicts (2 of 4 stars). 2 submissions from 2 submitters: Likely benign (2). Last evaluated 2025-10-28.

Conditions:
Familial thoracic aortic aneurysm and aortic dissection (TAAD). Also called: Thoracic aortic aneurysms and dissections. Identifiers: Orphanet 91387, MedGen C4707243, MONDO:0019625.

gnomAD v4.1: 2 of 1,606,790 alleles (0.00012%); highest among the groups gnomAD compares: Non-Finnish European, 0.00017%; no homozygotes.

Submissions (2):

Women's Health and Genetics/Laboratory Corporation of America, LabCorp
Classification: Likely benign. Last evaluated: 2025-10-28. Review status: criteria provided, single submitter. Criteria: LabCorp Variant Classification Summary - May 2015. Collection method: clinical testing. Allele origin: germline.
Comment: Variant summary: COL5A2 c.492A>T results in a synonymous change. Consensus agreement among computation tools predict no significant impact on normal splicing. However, these predictions have yet to be confirmed by functional studies. The frequency data for this variant in gnomAD is considered unreliable, as metrics indicate poor data quality at this position. To our knowledge, no occurrence of c.492A>T in individuals affected with COL5A2-related conditions and no experimental evidence demonstrating its impact on protein function have been reported. ClinVar contains an entry for this variant (Variation ID: 3495578). Based on the evidence outlined above, the variant was classified as likely benign.

Ambry Genetics
Classification: Likely benign for Familial thoracic aortic aneurysm and aortic dissection. Last evaluated: 2024-08-19. Review status: criteria provided, single submitter. Criteria: Ambry Variant Classification Scheme 2023. Collection method: clinical testing. Allele origin: germline.